The following is an entry in ClinVar:

ClinVar aggregate classification (germline): Benign (0 of 4 stars; one submission).

Conditions:
PIWIL1-related disorder. Also called: PIWIL1-related condition.

Allele frequency attached by ClinVar (database versions not stated): 1000 Genomes Project 0.64337; 1000 Genomes Project 30x 0.65053; ExAC 0.65199; gnomAD exomes 0.66449; TOPMed 0.69102; gnomAD 0.70003; ESP Exome Variant Server 0.73735.
gnomAD v4.1: 1,077,280 of 1,612,542 alleles (67%); highest among the groups gnomAD compares: African/African-American, 85%; 365,648 homozygotes.

Submission:

PreventionGenetics, part of Exact Sciences
Classification: Benign for PIWIL1-related condition. Last evaluated: 2019-10-21. Review status: no assertion criteria provided. Collection method: clinical testing. Allele origin: germline.
Comment: This variant is classified as benign based on ACMG/AMP sequence variant interpretation guidelines (Richards et al. 2015 PMID: 25741868, with internal and published modifications).

NM_004764.5(PIWIL1):c.2041+8A>G

Gene: PIWIL1 (piwi like RNA-mediated gene silencing 1; plus strand). Cytogenetic location: 12q24.33.
Variant type: single nucleotide variant.
Coding change: c.2041+8A>G on transcript NM_004764.5 (MANE Select); 8 bases into the intron after coding-DNA position 2041, A replaced by G.
Molecular consequence: intron variant.
Genome position (GRCh38, 1-based): chr12:130,362,844, A>G. VCF-style: chr12-130362844-A-G. GRCh37 (hg19) VCF-style: chr12-130847389-A-G.
Other names: c.2041+8A>G (NM_001190971.2).
Identifiers: ClinVar variation 3060964 (VCV003060964.2), dbSNP rs2242363, ClinGen allele CA6877412.